The following is an entry in ClinVar:

ClinVar aggregate classification (germline): Benign (1 of 4 stars; one submission).

Conditions:
Congenital Muscular Dystrophy, alpha-dystroglycan related.

Allele frequency attached by ClinVar (database versions not stated): gnomAD exomes 0.00038 and 0.00055; ExAC 0.00039; gnomAD 0.00326 and 0.00351; 1000 Genomes Project 0.00359; TOPMed 0.00368.
gnomAD v4.1: 550 of 340,138 alleles (0.16%); highest among the groups gnomAD compares: African/African-American, 1.1%; 7 homozygotes.

Submission:

Illumina Laboratory Services, Illumina
Classification: Benign for Congenital Muscular Dystrophy, alpha-dystroglycan related. Last evaluated: 2018-01-12. Review status: criteria provided, single submitter. Criteria: ICSL Variant Classification Criteria 13 December 2019. Collection method: clinical testing. Allele origin: germline.
Comment: This variant was observed in the ICSL laboratory as part of a predisposition screen in an ostensibly healthy population. It had not been previously curated by ICSL or reported in the Human Gene Mutation Database (HGMD: prior to June 1st, 2018), and was therefore a candidate for classification through an automated scoring system. Utilizing variant allele frequency, disease prevalence and penetrance estimates, and inheritance mode, an automated score was calculated to assess if this variant is too frequent to cause the disease. Based on the score and internal cut-off values, a variant classified as benign is not then subjected to further curation. The score for this variant resulted in a classification of benign for this disease.

NM_001101426.4(CRPPA):c.*2491C>T

Gene: CRPPA (CDP-L-ribitol pyrophosphorylase A; minus strand). Cytogenetic location: 7p21.2.
Variant type: single nucleotide variant.
Coding change: c.*2491C>T on transcript NM_001101426.4 (MANE Select); 2491 bases downstream of the stop codon, C replaced by T.
Molecular consequence: 3 prime UTR variant. On other transcripts: non-coding transcript variant (1).
Genome position (GRCh38, 1-based): chr7:16,089,204, G>A on the plus strand (C>T on the coding strand, the complement: CRPPA is on the minus strand). VCF-style: chr7-16089204-G-A. GRCh37 (hg19) VCF-style: chr7-16128829-G-A.
Other names: c.*2491C>T (NM_001101417.4, NM_001368197.1).
Identifiers: ClinVar variation 908738 (VCV000908738.4), dbSNP rs80084340, ClinGen allele CA4169230.